The following is an entry in ClinVar:

ClinVar aggregate classification (germline): Uncertain significance. Review status: criteria provided, multiple submitters, no conflicts (2 of 4 stars). 2 submissions from 2 submitters: Uncertain significance (2). Last evaluated 2025-06-24.

Conditions:
Cystinuria (CSNU). Also called: Cystinuria, non-type I; CYSTINURIA, TYPE I; CYSTINURIA, TYPE II; CYSTINURIA, TYPE III. Identifiers: Orphanet 214, MedGen C0010691, MONDO:0009067, OMIM 220100, HP:0003131.

gnomAD v4.1: 49 of 1,613,852 alleles (0.003%); highest among the groups gnomAD compares: African/African-American, 0.051%; no homozygotes.

Submissions (2):

Labcorp Genetics (formerly Invitae), Labcorp
Classification: Uncertain significance. Last evaluated: 2025-06-24. Review status: criteria provided, single submitter. Criteria: Invitae Variant Classification Sherloc (09022015). Collection method: clinical testing. Allele origin: germline.
Comment: This sequence change replaces tyrosine, which is neutral and polar, with cysteine, which is neutral and slightly polar, at codon 110 of the SLC7A9 protein (p.Tyr110Cys). This variant is present in population databases (rs368797821, gnomAD 0.04%). This variant has not been reported in the literature in individuals affected with SLC7A9-related conditions. ClinVar contains an entry for this variant (Variation ID: 3583616). Invitae Evidence Modeling of protein sequence and biophysical properties (such as structural, functional, and spatial information, amino acid conservation, physicochemical variation, residue mobility, and thermodynamic stability) indicates that this missense variant is expected to disrupt SLC7A9 protein function with a positive predictive value of 80%. In summary, the available evidence is currently insufficient to determine the role of this variant in disease. Therefore, it has been classified as a Variant of Uncertain Significance.

Fulgent Genetics
Classification: Uncertain significance for Cystinuria. Last evaluated: 2024-06-10. Review status: criteria provided, single submitter. Criteria: ACMG Guidelines, 2015. Collection method: clinical testing. Allele origin: germline.

NM_014270.5(SLC7A9):c.329A>G (p.Tyr110Cys)

Gene: SLC7A9 (solute carrier family 7 member 9; minus strand). Cytogenetic location: 19q13.11.
Variant type: single nucleotide variant.
Coding change: c.329A>G on transcript NM_014270.5 (MANE Select); coding-DNA position 329, A replaced by G.
Protein change: p.Tyr110Cys; replaces tyrosine 110 with cysteine.
Molecular consequence: missense variant.
Genome position (GRCh38, 1-based): chr19:32,864,245, T>C on the plus strand (A>G on the coding strand, the complement: SLC7A9 is on the minus strand). VCF-style: chr19-32864245-T-C. GRCh37 (hg19) VCF-style: chr19-33355151-T-C.
Other names: c.329A>G, p.Tyr110Cys (NM_001126335.2, NM_001243036.2); short protein forms Y110C.
Identifiers: ClinVar variation 3583616 (VCV003583616.2).